The following is an entry in ClinVar:

ClinVar aggregate classification (germline): Uncertain significance (1 of 4 stars; one submission).

Conditions:
Congenital insensitivity to pain-hypohidrosis syndrome. Also called: HSAN VIII; Neuropathy, hereditary sensory and autonomic, type VIII. Identifiers: Orphanet 478664, MedGen C4225308, MONDO:0014662, OMIM 616488.

Allele frequency attached by ClinVar (database versions not stated): gnomAD exomes 0.00001.
gnomAD v4.1: 11 of 977,294 alleles (0.0011%); highest among the groups gnomAD compares: Non-Finnish European, 0.0012%; no homozygotes.

Submission:

Labcorp Genetics (formerly Invitae), Labcorp
Classification: Uncertain significance for Congenital insensitivity to pain-hypohidrosis syndrome. Last evaluated: 2022-08-22. Review status: criteria provided, single submitter. Criteria: Invitae Variant Classification Sherloc (09022015). Collection method: clinical testing. Allele origin: germline.
Comment: This sequence change replaces leucine, which is neutral and non-polar, with glutamine, which is neutral and polar, at codon 362 of the PRDM12 protein (p.Leu362Gln). The frequency data for this variant in the population databases is considered unreliable, as metrics indicate insufficient coverage at this position in the gnomAD database. This variant has not been reported in the literature in individuals affected with PRDM12-related conditions. Algorithms developed to predict the effect of missense changes on protein structure and function are either unavailable or do not agree on the potential impact of this missense change (SIFT: "Deleterious"; PolyPhen-2: "Not Available"; Align-GVGD: "Class C0"). In summary, the available evidence is currently insufficient to determine the role of this variant in disease. Therefore, it has been classified as a Variant of Uncertain Significance.

NM_021619.3(PRDM12):c.1085T>A (p.Leu362Gln)

Gene: PRDM12 (PR/SET domain 12; plus strand). Cytogenetic location: 9q34.12.
Variant type: single nucleotide variant.
Coding change: c.1085T>A on transcript NM_021619.3 (MANE Select); coding-DNA position 1085, T replaced by A.
Protein change: p.Leu362Gln; replaces leucine 362 with glutamine.
Molecular consequence: missense variant.
Genome position (GRCh38, 1-based): chr9:130,681,650, T>A. VCF-style: chr9-130681650-T-A. GRCh37 (hg19) VCF-style: chr9-133557037-T-A.
Other names: short protein forms L362Q.
Identifiers: ClinVar variation 1967148 (VCV001967148.5), dbSNP rs1830905428, ClinGen allele CA375245325.
Genomic context (GRCh38, chr9:130,681,650, plus strand): 5'-CGCACGCGCCCGCGCTCGCCGCCGCCGCCGCCGCCGCCGCCGCCGCCGCCGCGCACCACC[T>A]GCCGGCCATGGTGCTGTGAGCGCGCCCGCGCCCCCGCCGGGCCCCGCGCGCTCCTGGGTC-3'
Protein context (NP_067632.2, residues 352-367): AAAAAAAAHH[Leu362Gln]PAMVL